The following is an entry in ClinVar:

ClinVar aggregate classification (germline): Uncertain significance (1 of 4 stars; one submission).

Allele frequency attached by ClinVar (database versions not stated): gnomAD exomes below 0.00001 and 0.00001; ExAC 0.00002.
gnomAD v4.1: 5 of 1,614,182 alleles (0.00031%); highest among the groups gnomAD compares: Admixed American, 0.0083%; no homozygotes.

Submission:

Women's Health and Genetics/Laboratory Corporation of America, LabCorp
Classification: Uncertain significance. Last evaluated: 2019-04-02. Review status: criteria provided, single submitter. Criteria: LabCorp Variant Classification Summary - May 2015. Collection method: clinical testing. Allele origin: germline.
Comment: Variant summary: PRSS1 c.-2C>A is located in the untranslated mRNA region upstream of the initiation codon. 5/5 computational tools predict no significant impact on normal splicing. However, these predictions have yet to be confirmed by functional studies. The variant allele was found at a frequency of 1.6e-05 in 246264 control chromosomes (gnomAD). These observations need to be cautiously considered due to the potential of PRSS1 pseudogene being captured at this site. The available data on variant occurrences in the general population are insufficient to allow any conclusion about variant significance. To our knowledge, no occurrence of c.-2C>A in individuals affected with Chronic Pancreatitis Risk and no experimental evidence demonstrating its impact on protein function have been reported. No clinical diagnostic laboratories have submitted clinical-significance assessments for this variant to ClinVar after 2014. Based on the evidence outlined above, the variant was classified as uncertain significance.

NM_002769.5(PRSS1):c.-2C>A

Genes: PRSS1 (serine protease 1; plus strand), TRB (T cell receptor beta locus; plus strand). Cytogenetic location: 7q34.
Variant type: single nucleotide variant.
Coding change: c.-2C>A on transcript NM_002769.5 (MANE Select); 2 bases upstream of the start codon, C replaced by A.
Molecular consequence: 5 prime UTR variant. On other transcripts: non-coding transcript variant (5).
Genome position (GRCh38, 1-based): chr7:142,749,483, C>A. VCF-style: chr7-142749483-C-A. GRCh37 (hg19) VCF-style: chr7-142457334-C-A.
Identifiers: ClinVar variation 928497 (VCV000928497.1), dbSNP rs766465080, ClinGen allele CA4529576.